The following is an entry in ClinVar:

NM_005708.5(GPC6):c.256C>T (p.Leu86Phe)

Gene: GPC6 (glypican 6; plus strand). Cytogenetic location: 13q31.3.
Variant type: single nucleotide variant.
Coding change: c.256C>T on transcript NM_005708.5 (MANE Select); coding-DNA position 256, C replaced by T.
Protein change: p.Leu86Phe; replaces leucine 86 with phenylalanine.
Molecular consequence: missense variant.
Genome position (GRCh38, 1-based): chr13:93,545,358, C>T. VCF-style: chr13-93545358-C-T. GRCh37 (hg19) VCF-style: chr13-94197611-C-T.
Other names: short protein forms L86F.
Identifiers: ClinVar variation 595635 (VCV000595635.33), dbSNP rs143872144, ClinGen allele CA7016814.
Genomic context (GRCh38, chr13:93,545,358, plus strand): 5'-TGCTGCACCACAGAAATGGAAGACAAGTTAAGCCAACAAAGCAAACTCGAATTTGAAAAC[C>T]TTGTGGAAGAGACAAGCCATTTTGTGCGCACCACTTTTGTGTCCAGGCATAAGAAATTTG-3'
Protein context (NP_005699.1, residues 76-96): SQQSKLEFEN[Leu86Phe]VEETSHFVRT

ClinVar aggregate classification (germline): Benign/Likely benign. Review status: criteria provided, multiple submitters, no conflicts (2 of 4 stars). 5 submissions from 5 submitters: Benign (4); Likely benign (1). Last evaluated 2026-01-19.

Conditions:
Autosomal recessive omodysplasia (OMOD1). Also called: MICROMELIC DYSPLASIA, CONGENITAL, WITH DISLOCATION OF RADIUS. Identifiers: Orphanet 2733, Orphanet 93329, MedGen C1850318, MONDO:0009779, OMIM 258315.

Allele frequency attached by ClinVar (database versions not stated): 1000 Genomes Project 0.00220; 1000 Genomes Project 30x 0.00250; gnomAD 0.00625 and 0.00684; gnomAD exomes 0.00626; ExAC 0.00627; TOPMed 0.00637; ESP Exome Variant Server 0.00746.

Submissions (5):

Labcorp Genetics (formerly Invitae), Labcorp
Classification: Benign. Last evaluated: 2026-01-19. Review status: criteria provided, single submitter. Criteria: Invitae Variant Classification Sherloc (09022015). Collection method: clinical testing. Allele origin: germline.

CeGaT Center for Human Genetics Tuebingen
Classification: Likely benign. Last evaluated: 2024-12-01. Review status: criteria provided, single submitter. Criteria: CeGaT Center For Human Genetics Tuebingen Variant Classification Criteria Version 2. Collection method: clinical testing. Allele origin: germline. Affected: yes. Observed: 1 variant allele.
Comment: GPC6: BS2

Eurofins Ntd Llc (ga)
Classification: Benign. Last evaluated: 2018-01-22. Review status: criteria provided, single submitter. Criteria: EGL Classification Definitions 2015. Collection method: clinical testing. Allele origin: germline. Observed: 1 variant allele, 1 heterozygote.

Illumina Laboratory Services, Illumina
Classification: Benign for Autosomal recessive omodysplasia. Last evaluated: 2018-01-13. Review status: criteria provided, single submitter. Criteria: ICSL Variant Classification Criteria 13 December 2019. Collection method: clinical testing. Allele origin: germline.
Comment: This variant was observed in the ICSL laboratory as part of a predisposition screen in an ostensibly healthy population. It had not been previously curated by ICSL or reported in the Human Gene Mutation Database (HGMD: prior to June 1st, 2018), and was therefore a candidate for classification through an automated scoring system. Utilizing variant allele frequency, disease prevalence and penetrance estimates, and inheritance mode, an automated score was calculated to assess if this variant is too frequent to cause the disease. Based on the score and internal cut-off values, a variant classified as benign is not then subjected to further curation. The score for this variant resulted in a classification of benign for this disease.

Breakthrough Genomics
Classification: Benign. Review status: criteria provided, single submitter. Criteria: ACMG Guidelines, 2015. Collection method: not provided. Allele origin: germline. Inheritance: Autosomal recessive inheritance. Affected: yes.